The following is an entry in ClinVar:

ClinVar aggregate classification (germline): Conflicting classifications of pathogenicity. Review status: criteria provided, conflicting classifications (1 of 4 stars). 2 submissions from 2 submitters: Uncertain significance (1); Likely benign (1). Last evaluated 2023-05-01.

Conditions:
Wilson disease (WND). Also called: Wilson's disease. Identifiers: Orphanet 905, MedGen C0019202, MONDO:0010200, OMIM 277900. Disease mechanism: loss of function.

Allele frequency attached by ClinVar (database versions not stated): gnomAD exomes below 0.00001.
gnomAD v4.1: 2 of 1,614,082 alleles (0.00012%); highest among the groups gnomAD compares: Non-Finnish European, 0.00017%; no homozygotes.

Submissions (2):

Labcorp Genetics (formerly Invitae), Labcorp
Classification: Likely benign for Wilson disease. Last evaluated: 2023-05-01. Review status: criteria provided, single submitter. Criteria: Invitae Variant Classification Sherloc (09022015). Collection method: clinical testing. Allele origin: germline.

All of Us Research Program, National Institutes of Health
Classification: Uncertain significance for Wilson disease. Last evaluated: 2023-02-24. Review status: criteria provided, single submitter. Criteria: ACMG Guidelines, 2015. Collection method: clinical testing. Allele origin: germline. Inheritance: Autosomal recessive inheritance. Observed: 1 variant allele, 1 heterozygote.
Comment: This variant is located in the ATP7B protein. To our knowledge, functional studies have not been reported for this variant. This variant has not been reported in individuals affected with ATP7B-related disorders in the literature. This variant has not been identified in the general population by the Genome Aggregation Database (gnomAD). The available evidence is insufficient to determine the role of this variant in disease conclusively. Therefore, this variant is classified as a Variant of Uncertain Significance.

This study involves interpretation of variants in research participants for the purpose of population health screening. Participant phenotype was not available at the time of variant classification. Additional details can be found in publication PMID: 35346344, PMCID: PMC8962531

NM_000053.4(ATP7B):c.3225C>T (p.Val1075=)

Gene: ATP7B (ATPase copper transporting beta; minus strand). Cytogenetic location: 13q14.3.
Variant type: single nucleotide variant.
Coding change: c.3225C>T on transcript NM_000053.4 (MANE Select); coding-DNA position 3225, C replaced by T.
Protein change: p.Val1075=; no amino-acid change (valine 1075 retained).
Molecular consequence: synonymous variant. On other transcripts: intron variant (1).
Genome position (GRCh38, 1-based): chr13:51,944,127, G>A on the plus strand (C>T on the coding strand, the complement: ATP7B is on the minus strand). VCF-style: chr13-51944127-G-A. GRCh37 (hg19) VCF-style: chr13-52518263-G-A.
Other names: c.2604C>T, p.Val868= (NM_001005918.3); c.2892C>T, p.Val964= (NM_001243182.2); c.2991C>T, p.Val997= (NM_001330578.2, NM_001406527.1, NM_001406528.1 and 1 more transcripts); c.2973C>T, p.Val991= (NM_001330579.2, NM_001406531.1, NM_001406532.1); c.3225C>T, p.Val1075= (NM_001406511.1, NM_001406512.1, NM_001406526.1); c.3219C>T, p.Val1073= (NM_001406513.1); c.3192C>T, p.Val1064= (NM_001406514.1); c.3171C>T, p.Val1057= (NM_001406515.1, NM_001406516.1); and 19 more.
Identifiers: ClinVar variation 2861189 (VCV002861189.4), dbSNP rs2547626897, ClinGen allele CA483894624.
Genomic context (GRCh38, chr13:51,944,127, plus strand): 5'-AGCATTGGCGGGGAGGGCAGGGCCACGCCCAAGTCCACGTACCTCTTTACAGTATTTGGT[G>A]ACTGCCACGCCCAAGGGGTGTTCACTGCTGGCCTCCGCAGTCCCCACCACAGCCAGAACC-3'
Protein context (NP_000044.2, residues 1065-1085): ASSEHPLGVA[Val1075=]TKYCKEELGT